The following is an entry in ClinVar:

ClinVar aggregate classification (germline): Uncertain significance. Review status: criteria provided, multiple submitters, no conflicts (2 of 4 stars). 2 submissions from 2 submitters: Uncertain significance (2). Last evaluated 2024-03-31.

Conditions:
Meckel-Gruber syndrome. Also called: DYSENCEPHALIA SPLANCHNOCYSTICA; GRUBER SYNDROME; Dysencephalia splachnocystica. Identifiers: Orphanet 564, MedGen C0265215, MONDO:0018921.
Joubert syndrome. Also called: CEREBELLOPARENCHYMAL DISORDER IV; JOUBERT-BOLTSHAUSER SYNDROME; Familial aplasia of the vermis. Identifiers: Orphanet 475, MedGen C5979921, MONDO:0018772.
Joubert syndrome 24 (JBTS24). Identifiers: Orphanet 475, MedGen C4084841, MONDO:0014724, OMIM 616654.
Meckel syndrome, type 8. Identifiers: Orphanet 564, MedGen C3836857, MONDO:0013482, OMIM 613885.

Allele frequency attached by ClinVar (database versions not stated): gnomAD 0.00001 and 0.00003; 1000 Genomes Project 30x 0.00031.
gnomAD v4.1: 26 of 1,613,410 alleles (0.0016%); highest among the groups gnomAD compares: African/African-American, 0.0053%; no homozygotes.

Submissions (2):

Fulgent Genetics
Classification: Uncertain significance for Meckel syndrome, type 8; Joubert syndrome 24. Last evaluated: 2024-03-31. Review status: criteria provided, single submitter. Criteria: ACMG Guidelines, 2015. Collection method: clinical testing. Allele origin: germline.

Labcorp Genetics (formerly Invitae), Labcorp
Classification: Uncertain significance for Joubert syndrome; Meckel-Gruber syndrome. Last evaluated: 2021-11-15. Review status: criteria provided, single submitter. Criteria: Invitae Variant Classification Sherloc (09022015). Collection method: clinical testing. Allele origin: germline.
Comment: This variant is present in population databases (no rsID available, gnomAD 0.0009%). In summary, the available evidence is currently insufficient to determine the role of this variant in disease. Therefore, it has been classified as a Variant of Uncertain Significance. Algorithms developed to predict the effect of missense changes on protein structure and function output the following: SIFT: "Tolerated"; PolyPhen-2: "Benign"; Align-GVGD: "Class C0". The histidine amino acid residue is found in multiple mammalian species, which suggests that this missense change does not adversely affect protein function. This variant has not been reported in the literature in individuals affected with TCTN2-related conditions. This sequence change replaces arginine, which is basic and polar, with histidine, which is basic and polar, at codon 567 of the TCTN2 protein (p.Arg567His).

NM_024809.5(TCTN2):c.1700G>A (p.Arg567His)

Gene: TCTN2 (tectonic family member 2; plus strand). Cytogenetic location: 12q24.31.
Variant type: single nucleotide variant.
Coding change: c.1700G>A on transcript NM_024809.5 (MANE Select); coding-DNA position 1700, G replaced by A.
Protein change: p.Arg567His; replaces arginine 567 with histidine.
Molecular consequence: missense variant.
Genome position (GRCh38, 1-based): chr12:123,704,619, G>A. VCF-style: chr12-123704619-G-A. GRCh37 (hg19) VCF-style: chr12-124189166-G-A.
Other names: c.1697G>A, p.Arg566His (NM_001143850.3); short protein forms R567H, R566H.
Identifiers: ClinVar variation 1472239 (VCV001472239.6), dbSNP rs780065531, ClinGen allele CA245170287.